The following is an entry in ClinVar:

ClinVar aggregate classification (germline): Conflicting classifications of pathogenicity. Review status: criteria provided, conflicting classifications (1 of 4 stars). 3 submissions from 3 submitters: Uncertain significance (2); Likely benign (1). Last evaluated 2025-12-08.

Conditions:
Hereditary cancer-predisposing syndrome. Also called: Tumor predisposition; Hereditary Cancer Syndrome; Neoplastic Syndromes, Hereditary; Hereditary neoplastic syndrome. Identifiers: Orphanet 140162, MedGen C0027672, MeSH D009386, MONDO:0015356.

Submissions (3):

Labcorp Genetics (formerly Invitae), Labcorp
Classification: Uncertain significance. Last evaluated: 2025-12-08. Review status: criteria provided, single submitter. Criteria: Invitae Variant Classification Sherloc (09022015). Collection method: clinical testing. Allele origin: germline.
Comment: This sequence change replaces proline, which is neutral and non-polar, with serine, which is neutral and polar, at codon 36 of the NTHL1 protein (p.Pro36Ser). This variant is not present in population databases (gnomAD no frequency). This variant has not been reported in the literature in individuals affected with NTHL1-related conditions. ClinVar contains an entry for this variant (Variation ID: 822109). An algorithm developed to predict the effect of missense changes on protein structure and function (PolyPhen-2) suggests that this variant is likely to be tolerated. In summary, the available evidence is currently insufficient to determine the role of this variant in disease. Therefore, it has been classified as a Variant of Uncertain Significance.

Ambry Genetics
Classification: Likely benign for Hereditary cancer-predisposing syndrome. Last evaluated: 2024-03-27. Review status: criteria provided, single submitter. Criteria: Ambry Variant Classification Scheme 2023. Collection method: clinical testing. Allele origin: germline.

GeneDx
Classification: Uncertain significance. Last evaluated: 2022-02-16. Review status: criteria provided, single submitter. Criteria: GeneDx Variant Classification Process June 2021. Collection method: clinical testing. Allele origin: germline. Affected: yes.
Comment: Not observed at significant frequency in large population cohorts (gnomAD); In silico analysis supports that this missense variant does not alter protein structure/function; Has not been previously published as pathogenic or benign to our knowledge

NM_002528.7(NTHL1):c.82C>T (p.Pro28Ser)

Gene: NTHL1 (nth like DNA glycosylase 1; minus strand). Cytogenetic location: 16p13.3.
Variant type: single nucleotide variant.
Coding change: c.82C>T on transcript NM_002528.7 (MANE Select); coding-DNA position 82, C replaced by T.
Protein change: p.Pro28Ser; replaces proline 28 with serine.
Molecular consequence: missense variant. On other transcripts: 5 prime UTR variant (1).
Genome position (GRCh38, 1-based): chr16:2,047,742, G>A on the plus strand (C>T on the coding strand, the complement: NTHL1 is on the minus strand). VCF-style: chr16-2047742-G-A. GRCh37 (hg19) VCF-style: chr16-2097743-G-A.
Other names: c.82C>T, p.Pro28Ser (NM_001318193.2); c.-97C>T (NM_001318194.2); short protein forms P28S.
Identifiers: ClinVar variation 822109 (VCV000822109.8), dbSNP rs1056290046, ClinGen allele CA276766665.